The following is an entry in ClinVar:

ClinVar aggregate classification (germline): Uncertain significance (1 of 4 stars; one submission).

Conditions:
Early-infantile DEE. Also called: Early infantile epileptic encephalopathy with suppression bursts; Early infantile epileptic encephalopathy; Ohtahara syndrome. Identifiers: Orphanet 1934, MedGen C0393706, MONDO:0800491.

Allele frequency attached by ClinVar (database versions not stated): gnomAD exomes below 0.00001.
gnomAD v4.1: 1 of 1,611,970 alleles (0.000062%); highest among the groups gnomAD compares: Admixed American, 0.0017%; no homozygotes.

Submission:

Labcorp Genetics (formerly Invitae), Labcorp
Classification: Uncertain significance for Early-infantile DEE. Last evaluated: 2025-08-21. Review status: criteria provided, single submitter. Criteria: Invitae Variant Classification Sherloc (09022015). Collection method: clinical testing. Allele origin: germline.
Comment: This sequence change replaces glycine, which is neutral and non-polar, with serine, which is neutral and polar, at codon 230 of the ARHGEF15 protein (p.Gly230Ser). This variant is present in population databases (no rsID available, gnomAD 0.003%). This variant has not been reported in the literature in individuals affected with ARHGEF15-related conditions. ClinVar contains an entry for this variant (Variation ID: 1990092). An algorithm developed to predict the effect of missense changes on protein structure and function outputs the following: PolyPhen-2: "Benign". The serine amino acid residue is found in multiple mammalian species, which suggests that this missense change does not adversely affect protein function. In summary, the available evidence is currently insufficient to determine the role of this variant in disease. Therefore, it has been classified as a Variant of Uncertain Significance.

NM_173728.4(ARHGEF15):c.688G>A (p.Gly230Ser)

Gene: ARHGEF15 (Rho guanine nucleotide exchange factor 15; plus strand). Cytogenetic location: 17p13.1.
Variant type: single nucleotide variant.
Coding change: c.688G>A on transcript NM_173728.4 (MANE Select); coding-DNA position 688, G replaced by A.
Protein change: p.Gly230Ser; replaces glycine 230 with serine.
Molecular consequence: missense variant.
Genome position (GRCh38, 1-based): chr17:8,313,008, G>A. VCF-style: chr17-8313008-G-A. GRCh37 (hg19) VCF-style: chr17-8216326-G-A.
Other names: c.688G>A, p.Gly230Ser (NM_025014.2); short protein forms G230S.
Identifiers: ClinVar variation 1990092 (VCV001990092.4), dbSNP rs1196063804, ClinGen allele CA398015684.
Genomic context (GRCh38, chr17:8,313,008, plus strand): 5'-TGCCCCTGTGTCTGCCACACCACCCGGCCTGGCCTGGAGCTCAGATGGGTGCCTGTGGGG[G>A]GCTATGAGGAGGTCCCCAGGGTCCCCCGTCGGGCCTCCCCGCTGCGGACCTCTCGCTCCC-3'
Protein context (NP_776089.2, residues 220-240): GLELRWVPVG[Gly230Ser]YEEVPRVPRR